The following is an entry in ClinVar:

NM_000216.4(ANOS1):c.571C>T (p.Arg191Ter)

Gene: ANOS1 (anosmin 1; minus strand). Cytogenetic location: Xp22.31.
Variant type: single nucleotide variant.
Coding change: c.571C>T on transcript NM_000216.4 (MANE Select); coding-DNA position 571, C replaced by T.
Protein change: p.Arg191Ter; replaces arginine 191 with a stop codon.
Molecular consequence: nonsense.
Genome position (GRCh38, 1-based): chrX:8,587,949, G>A on the plus strand (C>T on the coding strand, the complement: ANOS1 is on the minus strand). VCF-style: chrX-8587949-G-A. GRCh37 (hg19) VCF-style: chrX-8555990-G-A.
Other names: c.571C>T (NM_000216.3); short protein forms R191*.
Identifiers: ClinVar variation 1408120 (VCV001408120.9), dbSNP rs371599938, ClinGen allele CA412024164.

ClinVar aggregate classification (germline): Pathogenic. Review status: criteria provided, multiple submitters, no conflicts (2 of 4 stars). 2 submissions from 2 submitters: Pathogenic (2). Last evaluated 2025-08-11.

Conditions:
Hypogonadotropic hypogonadism 1 with or without anosmia (HH1). Also called: HYPOGONADOTROPIC HYPOGONADISM 1 WITH ANOSMIA; Kallmann syndrome, type 1, X-linked; DYSPLASIA OLFACTOGENITALIS OF DE MORSIER; Hypogonadotropic hypogonadism 1 with or without anosmia (Kallmann syndrome 1); KAL1-Related GnRH Deficiency (Kallmann Syndrome 1; Kallmann Syndrome, X-Linked); HYPOGONADOTROPIC HYPOGONADISM AND ANOSMIA. Identifiers: Orphanet 478, MedGen C1563719, MONDO:0010635, OMIM 308700. Disease mechanism: loss of function.
ANOS1-related disorder. Also called: ANOS1-related condition.

gnomAD v4.1: 1 of 1,209,513 alleles (0.000083%); highest among the groups gnomAD compares: Non-Finnish European, 0.00011%; no homozygotes.

Submissions (2):

PreventionGenetics, part of Exact Sciences
Classification: Pathogenic for ANOS1-related condition. Last evaluated: 2025-08-11. Review status: criteria provided, single submitter. Criteria: ACMG Guidelines, 2015. Collection method: clinical testing. Allele origin: germline.
Comment: The ANOS1 c.571C>T variant is predicted to result in premature protein termination (p.Arg191*). This variant has been reported in several individuals with hypogonadotropic hypogonadism/Kallmann syndrome (see examples: Oliveira et al. 2001. PubMed ID: 11297579; Miraoui et al. 2013. PubMed ID: 23643382; Dwyer et al. 2022. PubMed ID: 36268624; Patil et al. 2022. PubMed ID: 36138264). This variant has not been reported in a large population database (gnomAD), indicating this variant is rare. Nonsense variants in ANOS1 are expected to be pathogenic. This variant is interpreted as pathogenic.

Labcorp Genetics (formerly Invitae), Labcorp
Classification: Pathogenic for Hypogonadotropic hypogonadism 1 with or without anosmia. Last evaluated: 2025-06-09. Review status: criteria provided, single submitter. Criteria: Invitae Variant Classification Sherloc (09022015). Collection method: clinical testing. Allele origin: germline.
Comment: This sequence change creates a premature translational stop signal (p.Arg191*) in the ANOS1 gene. It is expected to result in an absent or disrupted protein product. Loss-of-function variants in ANOS1 are known to be pathogenic (PMID: 8504298, 11297579). This variant is not present in population databases (gnomAD no frequency). This premature translational stop signal has been observed in individual(s) with Kallmann syndrome (PMID: 11297579, 28122887). It has also been observed to segregate with disease in related individuals. ClinVar contains an entry for this variant (Variation ID: 1408120). For these reasons, this variant has been classified as Pathogenic.

Literature cited by the submitters: PubMed 8504298 (cited by Labcorp Genetics (formerly Invitae), Labcorp); PubMed 11297579 (cited by Labcorp Genetics (formerly Invitae), Labcorp); PubMed 28122887 (cited by Labcorp Genetics (formerly Invitae), Labcorp).